The following is an entry in ClinVar:

NC_000011.10:g.78095346G>T

Gene: ALG8 (ALG8 alpha-1,3-glucosyltransferase; minus strand). Cytogenetic location: 11q14.1.
Variant type: single nucleotide variant.
Genome position: GRCh38 VCF-style: chr11-78095346-G-T. GRCh37 (hg19) VCF-style: chr11-77806392-G-T.
Identifiers: ClinVar variation 3257287 (VCV003257287.17).

ClinVar aggregate classification (germline): Likely benign (1 of 4 stars; one submission).

Submission:

CeGaT Center for Human Genetics Tuebingen
Classification: Likely benign. Last evaluated: 2026-08-01. Review status: criteria provided, single submitter. Criteria: CeGaT Center For Human Genetics Tuebingen Variant Classification Criteria Version 2. Collection method: clinical testing. Allele origin: germline. Affected: yes. Observed: 2 variant alleles.
Comment: ALG8: BS2